The following is an entry in ClinVar:

NM_001009944.3(PKD1):c.858_864del (p.Ser286_Gly287insTer)

Gene: PKD1 (polycystin 1, transient receptor potential channel interacting; minus strand). Cytogenetic location: 16p13.3.
Variant type: Deletion.
Coding change: c.858_864del on transcript NM_001009944.3 (MANE Select); coding-DNA positions 858 to 864, 7 bases deleted (TGGCCAG; older notation c.858_864delTGGCCAG).
Protein change: p.Ser286_Gly287insTer.
Molecular consequence: frameshift variant.
Genome position (GRCh38, 1-based): chr16:2,118,128-2,118,134, CTGGCCA deleted on the plus strand (TGGCCAG on the coding strand, the reverse complement: PKD1 is on the minus strand). VCF-style (leftmost placement, unchanged base first): chr16-2118127-GCTGGCCA-G. GRCh37 (hg19) VCF-style: chr16-2168128-GCTGGCCA-G.
Other names: c.858_864del, p.Ser286_Gly287insTer (NM_000296.4).
Identifiers: ClinVar variation 4796807 (VCV004796807.1).

ClinVar aggregate classification (germline): Pathogenic (1 of 4 stars; one submission).

Conditions:
Polycystic kidney disease, adult type (PKD1). Also called: Polycystic Kidney, Autosomal Dominant; POLYCYSTIC KIDNEY DISEASE, ADULT, TYPE I; Polycystic Kidney Disease 1, Autosomal Dominant; Polycystic kidney disease 1; Polycystic kidney disease 1, severe; POLYCYSTIC KIDNEY DISEASE 1 WITH OR WITHOUT POLYCYSTIC LIVER DISEASE. Identifiers: MedGen C3149841, MONDO:0008263, OMIM 173900.

Submission:

MVZ Medizinische Genetik Mainz
Classification: Pathogenic for Polycystic kidney disease, adult type. Last evaluated: 2026-02-10. Review status: criteria provided, single submitter. Criteria: UK Practice Guidelines For Variant Classification V4 01 2020. Collection method: clinical testing. Allele origin: germline. Inheritance: Autosomal dominant inheritance. Affected: yes. Observed: 1 variant allele.
Comment: ACMG Criteria: PVS1,PS1,PM2_SUP,PP4